The following is an entry in ClinVar:

NM_032603.5(LOXL3):c.339C>A (p.Ser113Arg)

Genes: DOK1 (docking protein 1; plus strand), LOXL3 (lysyl oxidase like 3; minus strand). Cytogenetic location: 2p13.1.
Variant type: single nucleotide variant.
Coding change: c.339C>A on transcript NM_032603.5 (MANE Select); coding-DNA position 339, C replaced by A.
Protein change: p.Ser113Arg; replaces serine 113 with arginine.
Molecular consequence: missense variant. On other transcripts: intron variant (1).
Genome position (GRCh38, 1-based): chr2:74,550,323, G>T on the plus strand (C>A on the coding strand, the complement: LOXL3 is on the minus strand). VCF-style: chr2-74550323-G-T. GRCh37 (hg19) VCF-style: chr2-74777450-G-T.
Other names: c.339C>A, p.Ser113Arg (NM_001289164.3); c.-358+1151G>T (NM_001197260.2); short protein forms S113R.
Identifiers: ClinVar variation 1403052 (VCV001403052.8), dbSNP rs2104445711, ClinGen allele CA347395870.
Genomic context (GRCh38, chr2:74,550,323, plus strand): 5'-GTCACTGTTCCCCCAGCCCCGGGAGGCACATTCAGTCACACTCTGCTCGGTCCCACTGCA[G>T]CTCAAGTTGTCCAGCCAGATGCGGCCTGTGGAAGGGGAGATGAAGGGACAGAGAAGCTTG-3'
Protein context (NP_115992.1, residues 103-123): GTGRIWLDNL[Ser113Arg]CSGTEQSVTE

ClinVar aggregate classification (germline): Uncertain significance (1 of 4 stars; one submission).

Allele frequency attached by ClinVar (database versions not stated): gnomAD exomes below 0.00001.
gnomAD v4.1: 2 of 1,613,994 alleles (0.00012%); highest among the groups gnomAD compares: South Asian, 0.0022%; no homozygotes.

Submission:

Labcorp Genetics (formerly Invitae), Labcorp
Classification: Uncertain significance. Last evaluated: 2025-06-25. Review status: criteria provided, single submitter. Criteria: Invitae Variant Classification Sherloc (09022015). Collection method: clinical testing. Allele origin: germline.
Comment: This sequence change replaces serine, which is neutral and polar, with arginine, which is basic and polar, at codon 113 of the LOXL3 protein (p.Ser113Arg). This variant is not present in population databases (gnomAD no frequency). This variant has not been reported in the literature in individuals affected with LOXL3-related conditions. ClinVar contains an entry for this variant (Variation ID: 1403052). An algorithm developed to predict the effect of missense changes on protein structure and function (PolyPhen-2) suggests that this variant is likely to be tolerated. In summary, the available evidence is currently insufficient to determine the role of this variant in disease. Therefore, it has been classified as a Variant of Uncertain Significance.